The following is an entry in ClinVar:

NM_004415.4(DSP):c.8249C>G (p.Ala2750Gly)

Gene: DSP (desmoplakin; plus strand). Cytogenetic location: 6p24.3.
Variant type: single nucleotide variant.
Coding change: c.8249C>G on transcript NM_004415.4 (MANE Select); coding-DNA position 8249, C replaced by G.
Protein change: p.Ala2750Gly; replaces alanine 2750 with glycine.
Molecular consequence: missense variant.
Genome position (GRCh38, 1-based): chr6:7,585,511, C>G. VCF-style: chr6-7585511-C-G. GRCh37 (hg19) VCF-style: chr6-7585744-C-G.
Other names: c.6452C>G, p.Ala2151Gly (NM_001008844.3); c.6920C>G, p.Ala2307Gly (NM_001319034.2); short protein forms A2151G, A2307G, A2750G.
Identifiers: ClinVar variation 2775380 (VCV002775380.2), dbSNP rs2533950497, ClinGen allele CA362694761.

ClinVar aggregate classification (germline): Uncertain significance (1 of 4 stars; one submission).

Conditions:
Cardiomyopathy (CMYO). Also called: Cardiomyopathies. Identifiers: Orphanet 167848, MedGen C0878544, MONDO:0004994, HP:0001638. Inheritance: Various modes of inheritance.

Submission:

Color Diagnostics, LLC DBA Color Health
Classification: Uncertain significance for Cardiomyopathy. Last evaluated: 2023-07-10. Review status: criteria provided, single submitter. Criteria: ACMG Guidelines, 2015. Collection method: clinical testing. Allele origin: germline.
Comment: This missense variant replaces alanine with glycine at codon 2750 of the DSP protein. Computational prediction suggests that this variant may have deleterious impact on protein structure and function (internally defined REVEL score threshold >= 0.7, PMID: 27666373). To our knowledge, functional studies have not been reported for this variant. This variant has not been reported in individuals affected with DSP-related disorders in the literature. This variant has not been identified in the general population by the Genome Aggregation Database (gnomAD). The available evidence is insufficient to determine the role of this variant in disease conclusively. Therefore, this variant is classified as a Variant of Uncertain Significance.